The following is an entry in ClinVar:

NM_177438.3(DICER1):c.5126A>G (p.Asp1709Gly)

Gene: DICER1 (dicer 1, ribonuclease III; minus strand). Cytogenetic location: 14q32.13.
Variant type: single nucleotide variant.
Coding change: c.5126A>G on transcript NM_177438.3 (MANE Select); coding-DNA position 5126, A replaced by G.
Protein change: p.Asp1709Gly; replaces aspartic acid 1709 with glycine.
Molecular consequence: missense variant.
Genome position (GRCh38, 1-based): chr14:95,094,126, T>C on the plus strand (A>G on the coding strand, the complement: DICER1 is on the minus strand). VCF-style: chr14-95094126-T-C. GRCh37 (hg19) VCF-style: chr14-95560463-T-C.
Other names: NM_177438.3(DICER1):c.5126A>G; p.Asp1709Gly; c.5126A>G, p.Asp1709Gly (NM_001195573.1, NM_001271282.3, NM_001291628.2 and 1 more transcripts); short protein forms D1709G.
Identifiers: ClinVar variation 477242 (VCV000477242.21), dbSNP rs1555366979, ClinGen allele CA390865393.

ClinVar aggregate classification (germline): Likely pathogenic. Review status: reviewed by expert panel (3 of 4 stars). 5 submissions from 5 submitters: Likely pathogenic (1). 4 of the submissions do not count toward it. Last evaluated 2026-09-01.
ClinVar aggregate classification (somatic clinical impact): Tier I - Strong (1 of 4 stars; one submission).

Conditions:
DICER1-related tumor predisposition. Also called: DICER1-related pleuropulmonary blastoma cancer predisposition syndrome; DICER1 syndrome. Identifiers: Orphanet 284343, MedGen C3839822, MONDO:0100216.
Hereditary cancer-predisposing syndrome. Also called: Hereditary neoplastic syndrome; Tumor predisposition; Neoplastic Syndromes, Hereditary; Hereditary Cancer Syndrome. Identifiers: Orphanet 140162, MedGen C0027672, MeSH D009386, MONDO:0015356.
Juvenile type testicular granulosa cell tumor. Identifiers: MedGen C1515285, MONDO:0003741, HP:0034380.

Allele frequency attached by ClinVar (database versions not stated): gnomAD exomes below 0.00001.
gnomAD v4.1: 1 of 1,614,076 alleles (0.000062%); highest among the groups gnomAD compares: Non-Finnish European, 0.000085%; no homozygotes.

Submissions (6):

ClinGen DICER1 and miRNA-Processing Gene Variant Curation Expert Panel, ClinGen
Classification: Likely pathogenic for DICER1-related tumor predisposition. Last evaluated: 2026-09-01. Review status: reviewed by expert panel. Criteria: ClinGen DICER1 and miRNA-Processing Gene Expert Panel Specifications to the ACMG/AMP Variant Interpretation Guidelines for DICER1 Version 1.4. Collection method: curation. Allele origin: germline. Inheritance: Autosomal dominant inheritance.
Comment: The NM_177438.2:c.5126A>G variant in DICER1 is a missense variant predicted to cause substitution of aspartic acid by glycine at amino acid 1709 (p.Asp1709Gly). This variant received a total of 1 phenotype point across 1 proband meeting DICER1 VCEP phenotype specificity scoring criteria of 1-1.5 points (PS4_Supporting; PMID: 26925222). This variant has been identified as a de novo occurrence with constitutional mosaicism in 1 individual with pleuropulmonary blastoma (PS2; PMID: 26925222). This variant has an allele frequency of 0.0000006195 (1/1614076 alleles) across gnomAD v4.1.1 with no more than one allele in any subpopulation, which is lower than the ClinGen DICER1 VCEP threshold (<0.000005) for PM2_Supporting, and therefore meets this criterion (PM2_Supporting). In silico tools predict damaging impact of the variant on protein function (REVEL: 0.958) (PP3). This variant resides in the p.D1709 metal ion-binding residue located in the RNase IIIb domain of DICER1, that is defined as a mutational hotspot and critical functional domain by the ClinGen DICER1 VCEP (PM1; PMID: 31342592). In summary, this variant meets the criteria to be classified as Likely Pathogenic for DICER1-related tumor predisposition based on the ACMG/AMP criteria applied, as specified by the ClinGen DICER1 VCEP: PS4_Supporting, PS2, PM2_Supporting, PP3, PM1. (VCEP specifications version 1.4.0) Based on Tavtigian et al 2020 (PMID:32720330), the total points applied = 9, which equates to a classification of Likely Pathogenic.

Labcorp Genetics (formerly Invitae), Labcorp
Classification: Uncertain significance for DICER1-related tumor predisposition. Last evaluated: 2025-11-18. Review status: criteria provided, single submitter. Criteria: Invitae Variant Classification Sherloc (09022015). Collection method: clinical testing. Allele origin: germline. Not counted in ClinVar's aggregate classification.
Comment: This sequence change replaces aspartic acid, which is acidic and polar, with glycine, which is neutral and non-polar, at codon 1709 of the DICER1 protein (p.Asp1709Gly). This variant is not present in population databases (gnomAD no frequency). This variant has been reported as mosaic in an individual with pleuropulmonary blastoma (PMID: 26925222). This variant also has been reported as a somatic variant in DICER1-related tumors (PMID: 22187960, 26555935, 27459524). ClinVar contains an entry for this variant (Variation ID: 477242). Invitae Evidence Modeling of protein sequence and biophysical properties (such as structural, functional, and spatial information, amino acid conservation, physicochemical variation, residue mobility, and thermodynamic stability) has been performed for this missense variant. However, the output from this modeling did not meet the statistical confidence thresholds required to predict the impact of this variant on DICER1 protein function. This variant disrupts the p.Asp1709 amino acid residue in DICER1, a functionally conserved metal-binding residue within the RNase IIIb domain (PMID: 22187960, 26408257, 23132766). Other variants that disrupt this residue have been reported in individuals with DICER1-related conditions (PMID: 22187960, 26475046, 24839956, 24676357). This suggests that this residue is clinically significant, and that variants that disrupt this residue may be disease-causing. In summary, the available evidence is currently insufficient to determine the role of this variant in disease. Therefore, it has been classified as a Variant of Uncertain Significance.

Ambry Genetics
Classification: Uncertain significance for Hereditary cancer-predisposing syndrome. Last evaluated: 2025-05-29. Review status: criteria provided, single submitter. Criteria: Ambry Variant Classification Scheme 2023. Collection method: clinical testing. Allele origin: germline. Not counted in ClinVar's aggregate classification.
Comment: The p.D1709G variant (also known as c.5126A>G), located in coding exon 23 of the DICER1 gene, results from an A to G substitution at nucleotide position 5126. The aspartic acid at codon 1709 is replaced by glycine, an amino acid with similar properties. In a study of 124 children with pleuropulmonary blastoma, this variant was reported as a germline mosaic finding in one patient, who had small intestinal polyps, pleuropulmonary blastoma, and cystic nephroma (Brenneman M et al. F1000Res. 2015 Jul;4:214). This variant has been reported as a somatic finding in many studies, including studies of ovarian sex cord stromal tumors and multinodular goiters (de Kock L et al. Hum. Mutat. 2019 11;40:1939-1953). This alteration is located in the RNase IIIb domain of the DICER1 protein and variants at this codon have been characterized as somatic hotspot mutations (Foulkes WD et al. Nat. Rev. Cancer. 2014 Oct;14:662-72). This amino acid position is highly conserved in available vertebrate species. In addition, this alteration is predicted to be deleterious by in silico analysis. Since supporting evidence is limited at this time, the clinical significance of this alteration remains unclear.

Hereditary Cancer Group, L’Institut d'Investigació Biomèdica de Bellvitge
Classification: Pathogenic for Hereditary cancer-predisposing syndrome. Last evaluated: 2024-12-19. Review status: criteria provided, single submitter. Criteria: Hatton et al. (Hum Mutat. 2023). Collection method: clinical testing. Allele origin: de novo. Inheritance: Autosomal dominant inheritance. Affected: yes. Not counted in ClinVar's aggregate classification.
Comment: PS2, PS3_supporting, PS4_supporting, PM1, PM2_supporting, PP3

Institute for Genomic Medicine (IGM) Clinical Laboratory, Nationwide Children's Hospital
Classification: Tier I - Strong for Juvenile type testicular granulosa cell tumor. Assertion type: diagnostic. Clinical significance: supports diagnosis. Last evaluated: 2024-06-21. Review status: criteria provided, single submitter. Criteria: AMP/ASCO/CAP Guidelines, 2017. Collection method: clinical testing. Allele origin: somatic. Affected: yes.
Comment: Variant has Tier I (strong) clinical significance as a diagnostic inclusion criterion in juvenile type testicular granulosa cell tumor, based on the following evidence: 1) Documented in one or more cancer databases (e.g., St. Jude Pecan, COSMIC, CIViC, OncoKB). 2) Appears in one or more well-established professional guidelines (e.g., World Health Organization [WHO]; National Comprehensive Cancer Network [NCCN]) as providing diagnostic, prognostic, or therapeutic information. 3) Information in the literature supports potential biologic effect of variant (PMIDs: 22187960, 26033159). 4) Diagnostic for a specific tumor type/classification based on well-powered studies with expert-level consensus (Evidence Level B; PMIDs: 22187960, 26033501, 29275930).

Foulkes Cancer Genetics LDI, Lady Davis Institute for Medical Research
Classification: Pathogenic for Pleuropulmonary blastoma. Last evaluated: 2019-07-01. Review status: criteria provided, single submitter. Criteria: ACMG Guidelines, 2015. Collection method: curation. Allele origin: de novo, unknown, somatic. Affected: yes. Observed: 24 variant alleles. Not counted in ClinVar's aggregate classification.
Comment: ACMG criteria met: PS2, PS3, PM1, PM2, PP4

Literature cited by the submitters: PubMed 26925222 (cited by 3 submitters); PubMed 22187960 (cited by 3 submitters); PubMed 26555935 (cited by Labcorp Genetics (formerly Invitae), Labcorp and Foulkes Cancer Genetics LDI, Lady Davis Institute for Medical Research); PubMed 27459524 (cited by Labcorp Genetics (formerly Invitae), Labcorp and Foulkes Cancer Genetics LDI, Lady Davis Institute for Medical Research); PubMed 26408257 (cited by Labcorp Genetics (formerly Invitae), Labcorp); PubMed 23132766 (cited by Labcorp Genetics (formerly Invitae), Labcorp); PubMed 26475046 (cited by Labcorp Genetics (formerly Invitae), Labcorp); PubMed 24839956 (cited by Labcorp Genetics (formerly Invitae), Labcorp); PubMed 24676357 (cited by Labcorp Genetics (formerly Invitae), Labcorp); PubMed 31342592 (cited by Ambry Genetics); PubMed 26033159 (cited by Institute for Genomic Medicine (IGM) Clinical Laboratory, Nationwide Children's Hospital); PubMed 26033501 (cited by Institute for Genomic Medicine (IGM) Clinical Laboratory, Nationwide Children's Hospital); PubMed 29275930 (cited by Institute for Genomic Medicine (IGM) Clinical Laboratory, Nationwide Children's Hospital); PubMed 26886166 (cited by Foulkes Cancer Genetics LDI, Lady Davis Institute for Medical Research); PubMed 24065110 (cited by Foulkes Cancer Genetics LDI, Lady Davis Institute for Medical Research); PubMed 25451712 (cited by Foulkes Cancer Genetics LDI, Lady Davis Institute for Medical Research); PubMed 26545620 (cited by Foulkes Cancer Genetics LDI, Lady Davis Institute for Medical Research); PubMed 28323992 (cited by Foulkes Cancer Genetics LDI, Lady Davis Institute for Medical Research); PubMed 29187512 (cited by Foulkes Cancer Genetics LDI, Lady Davis Institute for Medical Research); PubMed 29037807 (cited by Foulkes Cancer Genetics LDI, Lady Davis Institute for Medical Research); PubMed 29351919 (cited by Foulkes Cancer Genetics LDI, Lady Davis Institute for Medical Research); PubMed 30260442 (cited by Foulkes Cancer Genetics LDI, Lady Davis Institute for Medical Research).